The following is an entry in ClinVar:

ClinVar aggregate classification (germline): Uncertain significance (1 of 4 stars; one submission).

Allele frequency attached by ClinVar (database versions not stated): gnomAD exomes 0.00001; gnomAD 0.00003; TOPMed 0.00004.

Submission:

Labcorp Genetics (formerly Invitae), Labcorp
Classification: Uncertain significance. Last evaluated: 2023-10-29. Review status: criteria provided, single submitter. Criteria: Invitae Variant Classification Sherloc (09022015). Collection method: clinical testing. Allele origin: germline.
Comment: This sequence change replaces glutamine, which is neutral and polar, with histidine, which is basic and polar, at codon 40 of the KL protein (p.Gln40His). This variant is not present in population databases (gnomAD no frequency). This variant has not been reported in the literature in individuals affected with KL-related conditions. ClinVar contains an entry for this variant (Variation ID: 2185023). Advanced modeling of protein sequence and biophysical properties (such as structural, functional, and spatial information, amino acid conservation, physicochemical variation, residue mobility, and thermodynamic stability) performed at Invitae indicates that this missense variant is not expected to disrupt KL protein function with a negative predictive value of 80%. In summary, the available evidence is currently insufficient to determine the role of this variant in disease. Therefore, it has been classified as a Variant of Uncertain Significance.

NM_004795.4(KL):c.120G>T (p.Gln40His)

Gene: KL (klotho; plus strand). Cytogenetic location: 13q13.1.
Variant type: single nucleotide variant.
Coding change: c.120G>T on transcript NM_004795.4 (MANE Select); coding-DNA position 120, G replaced by T.
Protein change: p.Gln40His; replaces glutamine 40 with histidine.
Molecular consequence: missense variant.
Genome position (GRCh38, 1-based): chr13:33,016,560, G>T. VCF-style: chr13-33016560-G-T. GRCh37 (hg19) VCF-style: chr13-33590698-G-T.
Other names: short protein forms Q40H.
Identifiers: ClinVar variation 2185023 (VCV002185023.4), dbSNP rs1001335971, ClinGen allele CA247507281.